The following is an entry in ClinVar:

NM_004385.5(VCAN):c.1147C>T (p.Pro383Ser)

Gene: VCAN (versican; plus strand). Cytogenetic location: 5q14.3.
Variant type: single nucleotide variant.
Coding change: c.1147C>T on transcript NM_004385.5 (MANE Select); coding-DNA position 1147, C replaced by T.
Protein change: p.Pro383Ser; replaces proline 383 with serine.
Molecular consequence: missense variant. On other transcripts: intron variant (2).
Genome position (GRCh38, 1-based): chr5:83,519,453, C>T. VCF-style: chr5-83519453-C-T. GRCh37 (hg19) VCF-style: chr5-82815272-C-T.
Other names: c.1147C>T, p.Pro383Ser (NM_001164098.2); c.1042+7057C>T (NM_001164097.2, NM_001126336.3); short protein forms P383S.
Identifiers: ClinVar variation 3685381 (VCV003685381.2).
Genomic context (GRCh38, chr5:83,519,453, plus strand): 5'-GCATCACCCAGTTTATCCAAAGAACCACAAATGGTTTCTGATAGAACTACACCAATCATC[C>T]CTTTAGTTGATGAATTACCTGTCATTCCAACAGAGTTCCCTCCCGTGGGAAATATTGTCA-3'
Protein context (NP_004376.2, residues 373-393): MVSDRTTPII[Pro383Ser]LVDELPVIPT

ClinVar aggregate classification (germline): Uncertain significance (1 of 4 stars; one submission).

Submission:

Labcorp Genetics (formerly Invitae), Labcorp
Classification: Uncertain significance. Last evaluated: 2024-10-10. Review status: criteria provided, single submitter. Criteria: Invitae Variant Classification Sherloc (09022015). Collection method: clinical testing. Allele origin: germline.
Comment: This sequence change replaces proline, which is neutral and non-polar, with serine, which is neutral and polar, at codon 383 of the VCAN protein (p.Pro383Ser). This variant is not present in population databases (gnomAD no frequency). This variant has not been reported in the literature in individuals affected with VCAN-related conditions. An algorithm developed to predict the effect of missense changes on protein structure and function (PolyPhen-2) suggests that this variant is likely to be tolerated. In summary, the available evidence is currently insufficient to determine the role of this variant in disease. Therefore, it has been classified as a Variant of Uncertain Significance.